The following is an entry in ClinVar:

ClinVar aggregate classification (germline): Benign. Review status: criteria provided, multiple submitters, no conflicts (2 of 4 stars). 2 submissions from 2 submitters: Benign (2). Last evaluated 2018-06-14.

Allele frequency attached by ClinVar (database versions not stated): 1000 Genomes Project 0.85343; 1000 Genomes Project 30x 0.85493; gnomAD exomes 0.86614; gnomAD 0.87049 and 0.87370; TOPMed 0.87456.
gnomAD v4.1: 634,012 of 731,190 alleles (87%); highest among the groups gnomAD compares: East Asian, 92%; 275,546 homozygotes.

Submissions (2):

GeneDx
Classification: Benign. Last evaluated: 2018-06-14. Review status: criteria provided, single submitter. Criteria: GeneDx Variant Classification (06012015). Collection method: clinical testing. Allele origin: germline. Affected: yes.
Comment: This variant is considered likely benign or benign based on one or more of the following criteria: it is a conservative change, it occurs at a poorly conserved position in the protein, it is predicted to be benign by multiple in silico algorithms, and/or has population frequency not consistent with disease.

Breakthrough Genomics
Classification: Benign. Review status: criteria provided, single submitter. Criteria: ACMG Guidelines, 2015. Collection method: not provided. Allele origin: germline. Inheritance: Autosomal dominant inheritance. Affected: yes.

NM_006939.4(SOS2):c.2385-100G>A

Gene: SOS2 (SOS Ras/Rho guanine nucleotide exchange factor 2; minus strand). Cytogenetic location: 14q21.3.
Variant type: single nucleotide variant.
Coding change: c.2385-100G>A on transcript NM_006939.4 (MANE Select); 100 bases into the intron before coding-DNA position 2385, G replaced by A.
Molecular consequence: intron variant.
Genome position (GRCh38, 1-based): chr14:50,145,696, C>T on the plus strand (G>A on the coding strand, the complement: SOS2 is on the minus strand). VCF-style: chr14-50145696-C-T. GRCh37 (hg19) VCF-style: chr14-50612414-C-T.
Identifiers: ClinVar variation 561603 (VCV000561603.2), dbSNP rs726797, ClinGen allele CA14064856.
Genomic context (GRCh38, chr14:50,145,696, plus strand): 5'-ATTTGTATTACTTAAAGATCTTCTAAAACTTAATAAGAAAAAGACAATTAACCCAAAAGA[C>T]AGATGAACACATATATGAACAAGTAATTCAGAGAGGAATAGACCCAAATAGCTACAAACA-3'